The following is an entry in ClinVar:

ClinVar aggregate classification (germline): Benign. Review status: criteria provided, single submitter (1 of 4 stars). 2 submissions from 2 submitters: Benign (1). 1 of the submissions does not count toward it. Last evaluated 2025-04-07.

Conditions:
CREBBP-related disorder. Also called: CREBBP-related condition; CREBBP-related disorders.
Rubinstein-Taybi syndrome (RSTS). Identifiers: Orphanet 783, MedGen C0035934, MONDO:0019188.

gnomAD v4.1: 19 of 1,614,018 alleles (0.0012%); highest among the groups gnomAD compares: Admixed American, 0.0017%; no homozygotes.

Submissions (2):

Labcorp Genetics (formerly Invitae), Labcorp
Classification: Benign for Rubinstein-Taybi syndrome. Last evaluated: 2025-04-07. Review status: criteria provided, single submitter. Criteria: Invitae Variant Classification Sherloc (09022015). Collection method: clinical testing. Allele origin: germline.

PreventionGenetics, part of Exact Sciences
Classification: Uncertain significance for CREBBP-related condition. Last evaluated: 2024-07-31. Review status: no assertion criteria provided. Collection method: clinical testing. Allele origin: germline. Not counted in ClinVar's aggregate classification.
Comment: The CREBBP c.2931G>A variant is not predicted to result in an amino acid change (p.=). To our knowledge, this variant has not been reported in the literature. This variant is reported in 0.0040% of alleles in individuals of African descent in gnomAD. This variant is predicted to alter splicing based on available splicing prediction programs (SpliceAI, Jaganathan et al. 2019. PubMed ID: 30661751). At this time, the clinical significance of this variant is uncertain due to the absence of conclusive functional and genetic evidence.

NM_004380.3(CREBBP):c.2931G>A (p.Ser977=)

Gene: CREBBP (CREB binding lysine acetyltransferase; minus strand). Cytogenetic location: 16p13.3.
Variant type: single nucleotide variant.
Coding change: c.2931G>A on transcript NM_004380.3 (MANE Select); coding-DNA position 2931, G replaced by A.
Protein change: p.Ser977=; no amino-acid change (serine 977 retained).
Molecular consequence: synonymous variant.
Genome position (GRCh38, 1-based): chr16:3,769,303, C>T on the plus strand (G>A on the coding strand, the complement: CREBBP is on the minus strand). VCF-style: chr16-3769303-C-T. GRCh37 (hg19) VCF-style: chr16-3819304-C-T.
Other names: c.2817G>A, p.Ser939= (NM_001079846.1).
Identifiers: ClinVar variation 3350295 (VCV003350295.2).